The following is an entry in ClinVar:

NM_000214.3(JAG1):c.2429C>T (p.Pro810Leu)

Gene: JAG1 (jagged canonical Notch ligand 1; minus strand). Cytogenetic location: 20p12.2.
Variant type: single nucleotide variant.
Coding change: c.2429C>T on transcript NM_000214.3 (MANE Select); coding-DNA position 2429, C replaced by T.
Protein change: p.Pro810Leu; replaces proline 810 with leucine.
Molecular consequence: missense variant.
Genome position (GRCh38, 1-based): chr20:10,643,807, G>A on the plus strand (C>T on the coding strand, the complement: JAG1 is on the minus strand). VCF-style: chr20-10643807-G-A. GRCh37 (hg19) VCF-style: chr20-10624455-G-A.
Other names: c.2429C>T, p.Pro810Leu (LRG_1191t1); short protein forms P810L.
Identifiers: ClinVar variation 522881 (VCV000522881.17), dbSNP rs769531968, ClinGen allele CA9764505.
Genomic context (GRCh38, chr20:10,643,807, plus strand): 5'-ATTGGGAAAACCAGACGGAGACAGTCCTTACTTATTCTGCAGTCGGGCCCAGCAAAACCC[G>A]GGGCACATTCGCACCGGTACCAGTTGTCTCCATCCACACAGGTGCCGCTGTTGTAACTAA-3'
Protein context (NP_000205.1, residues 800-820): GDNWYRCECA[Pro810Leu]GFAGPDCRIN

ClinVar aggregate classification (germline): Conflicting classifications of pathogenicity. Review status: criteria provided, conflicting classifications (1 of 4 stars). 8 submissions from 8 submitters: Pathogenic (1); Likely pathogenic (1); Uncertain significance (5); Likely benign (1). Last evaluated 2025-08-05.

Conditions:
JAG1-related disorder. Also called: JAG1-related condition; JAG1-related disorders.
Tetralogy of Fallot (TOF). Identifiers: Orphanet 3303, MedGen C0039685, MONDO:0008542, OMIM 187500, HP:0001636.
Alagille syndrome due to a JAG1 point mutation. Also called: HEPATIC DUCTULAR HYPOPLASIA, SYNDROMATIC; Alagille Syndrome 1; JAG1-Related Alagille Syndrome. Identifiers: Orphanet 261619, Orphanet 52, MedGen C1956125, MONDO:0016862, OMIM 118450.

Allele frequency attached by ClinVar (database versions not stated): gnomAD exomes below 0.00001 and 0.00002; ExAC 0.00001; gnomAD 0.00001; TOPMed 0.00001.
gnomAD v4.1: 36 of 1,613,972 alleles (0.0022%); highest among the groups gnomAD compares: Admixed American, 0.005%; no homozygotes.

Submissions (8):

PreventionGenetics, part of Exact Sciences
Classification: Uncertain significance for JAG1-related condition. Last evaluated: 2025-08-05. Review status: criteria provided, single submitter. Criteria: ACMG Guidelines, 2015. Collection method: clinical testing. Allele origin: germline.
Comment: The JAG1 c.2429C>T variant is predicted to result in the amino acid substitution p.Pro810Leu. This variant has been reported in individuals with tetralogy of Fallot (Bauer et al. 2010. PubMed ID: 20437614; Guida et al. 2011. PubMed ID: 22040217; Althali and Hentges. 2022. PubMed ID: 36277185), Alagile syndrome (Table S3, Domingo-Gallego et al. 2022. PubMed ID: 33532864; Table S1, Mohan et al. 2022. PubMed ID: 34358384) and a mother and fetus without any skeletal, cardiac, nor brain findings (Adams et al. 2025. PubMed ID: 39749519). Reduced penetrance has been suggested as many of these cases inherited the variant from an unaffected parent (Bauer et al. 2010. PubMed ID: 20437614; Table S15, Alankarage et al. 2019. PubMed ID: 30293987; Table S1, Mohan. 2022. PubMed ID: 34358384). Functional studies, including luciferase assays, suggest this variant significantly reduces protein expression causing defective glycosylation (Bauer et al. 2010. PubMed ID: 20437614; Althali and Hentges. 2022. PubMed ID: 36277185). This variant is reported in 0.0029% of alleles in individuals of Latino descent in gnomAD and has conflicting classifications in ClinVar ranging from likely benign to pathogenic (ClinVar ID: 522881). Although we suspect this variant is pathogenic, at this time, the clinical significance of this variant is uncertain due to the absence of conclusive functional and genetic evidence.

GeneDx
Classification: Uncertain significance. Last evaluated: 2025-01-22. Review status: criteria provided, single submitter. Criteria: GeneDx Variant Classification Process June 2021. Collection method: clinical testing. Allele origin: germline. Affected: yes.
Comment: Identified in patients with clinical features that include tetralogy of Fallot, cleft lip and palate, and mild intellectual disability, in an individual with an atrioventricular septal defect, and in an individual with a rare lymphatic anomaly with pulmonary artery stenosis and dysmorphic facial features in published literature (PMID: 22040217, 30293987, 33433009, 20437614); One published functional study suggests a damaging effect; however additional studies are needed to validate the functional effect of this variant (PMID: 20437614); In silico analysis supports that this missense variant has a deleterious effect on protein structure/function; Not observed at significant frequency in large population cohorts (gnomAD); This variant is associated with the following publications: (PMID: 31813956, 33433009, 30293987, 22040217, 34358384, 20437614, 36277185, 33532864, 39749519)

Genomic Medicine Center of Excellence, King Faisal Specialist Hospital and Research Centre
Classification: Uncertain significance for Alagille syndrome due to a JAG1 point mutation. Last evaluated: 2024-03-26. Review status: criteria provided, single submitter. Criteria: ACMG Guidelines, 2015. Collection method: clinical testing. Allele origin: germline.

Labcorp Genetics (formerly Invitae), Labcorp
Classification: Likely benign for Alagille syndrome due to a JAG1 point mutation. Last evaluated: 2023-12-27. Review status: criteria provided, single submitter. Criteria: Invitae Variant Classification Sherloc (09022015). Collection method: clinical testing. Allele origin: germline.

AiLife Diagnostics
Classification: Uncertain significance. Last evaluated: 2022-02-13. Review status: criteria provided, single submitter. Criteria: ACMG Guidelines, 2015. Collection method: clinical testing. Allele origin: germline. Affected: yes. Observed: 1 variant allele.

SIB Swiss Institute of Bioinformatics
Classification: Likely pathogenic for Tetralogy of Fallot. Last evaluated: 2018-10-15. Review status: criteria provided, single submitter. Criteria: ACMG Guidelines, 2015. Collection method: curation. Allele origin: unknown.
Comment: This variant is interpreted as Likely Pathogenic, for Tetralogy of Fallot. The following ACMG Tag(s) were applied: PM2 => Absent from controls (or at extremely low frequency if recessive) in Exome Sequencing Project, 1000 Genomes Project, or Exome Aggregation Consortium. PP3 => Multiple lines of computational evidence support a deleterious effect on the gene or gene product. PS3 => Well-established functional studies show a deleterious effect (PubMed 20437614).

Genomic Research Center, Shahid Beheshti University of Medical Sciences
Classification: Pathogenic for Alagille syndrome due to a JAG1 point mutation. Last evaluated: 2017-12-18. Review status: criteria provided, single submitter. Criteria: ACMG Guidelines, 2015. Collection method: clinical testing. Allele origin: inherited. Affected: yes.

Eurofins Ntd Llc (ga)
Classification: Uncertain significance. Last evaluated: 2017-12-05. Review status: criteria provided, single submitter. Criteria: EGL Classification Definitions 2015. Collection method: clinical testing. Allele origin: germline. Observed: 1 variant allele, 1 heterozygote.

Literature cited by the submitters: PubMed 20437614 (cited by AiLife Diagnostics and SIB Swiss Institute of Bioinformatics); PubMed 30293987 (cited by AiLife Diagnostics); PubMed 33433009 (cited by AiLife Diagnostics).